The following is an entry in ClinVar:

ClinVar aggregate classification (germline): Benign (1 of 4 stars; one submission).

Conditions:
Juvenile polyposis/hereditary hemorrhagic telangiectasia syndrome (JPHT). Also called: JP/HHT SYNDROME; JUVENILE POLYPOSIS WITH HEREDITARY HEMORRHAGIC TELANGIECTASIA; POLYPOSIS, GENERALIZED JUVENILE, WITH PULMONARY ARTERIOVENOUS MALFORMATION; TELANGIECTASIA, HEREDITARY HEMORRHAGIC, WITH JUVENILE POLYPOSIS COLI; Juvenile Polyposis Syndrome / Hereditary Hemorrhagic Telangiectasia (JPS/HHT). Identifiers: Orphanet 2929, MedGen C1832942, MONDO:0008278, OMIM 175050.

gnomAD v4.1: 3 of 1,613,832 alleles (0.00019%); highest among the groups gnomAD compares: South Asian, 0.0033%; no homozygotes.

Submission:

Myriad Genetics, Inc.
Classification: Benign for Juvenile polyposis/hereditary hemorrhagic telangiectasia syndrome. Last evaluated: 2025-03-18. Review status: criteria provided, single submitter. Criteria: Myriad Autosomal Dominant, Autosomal Recessive and X-Linked Classification Criteria (2023). Collection method: clinical testing. Allele origin: unknown.
Comment: This variant is considered benign. This variant is a silent/synonymous amino acid change and it is not expected to impact splicing.

NM_005359.6(SMAD4):c.378C>G (p.Val126=)

Gene: SMAD4 (SMAD family member 4; plus strand). Cytogenetic location: 18q21.2.
Variant type: single nucleotide variant.
Coding change: c.378C>G on transcript NM_005359.6 (MANE Select); coding-DNA position 378, C replaced by G.
Protein change: p.Val126=; no amino-acid change (valine 126 retained).
Molecular consequence: synonymous variant. On other transcripts: non-coding transcript variant (2).
Genome position (GRCh38, 1-based): chr18:51,048,814, C>G. VCF-style: chr18-51048814-C-G. GRCh37 (hg19) VCF-style: chr18-48575184-C-G.
Other names: c.378C>G, p.Val126= (NM_001407041.1, NM_001407042.1, NM_001407043.1).
Identifiers: ClinVar variation 3903970 (VCV003903970.1).